The following is an entry in ClinVar:

ClinVar aggregate classification (germline): Pathogenic (1 of 4 stars; one submission).

Conditions:
MPI-congenital disorder of glycosylation. Also called: CONGENITAL DISORDER OF GLYCOSYLATION, TYPE Ib; CDG Ib; MPI-CDG; MPI DEFICIENCY; MANNOSEPHOSPHATE ISOMERASE DEFICIENCY; PROTEIN-LOSING ENTEROPATHY-HEPATIC FIBROSIS SYNDROME. Identifiers: Orphanet 79319, MedGen C1865145, MONDO:0011257, OMIM 602579.

Submission:

Labcorp Genetics (formerly Invitae), Labcorp
Classification: Pathogenic for MPI-congenital disorder of glycosylation. Last evaluated: 2022-12-20. Review status: criteria provided, single submitter. Criteria: Invitae Variant Classification Sherloc (09022015). Collection method: clinical testing. Allele origin: germline.
Comment: This sequence change creates a premature translational stop signal (p.Ser336Asnfs*3) in the MPI gene. While this is not anticipated to result in nonsense mediated decay, it is expected to disrupt the last 88 amino acid(s) of the MPI protein. This variant is not present in population databases (gnomAD no frequency). This variant has not been reported in the literature in individuals affected with MPI-related conditions. This variant disrupts a region of the MPI protein in which other variant(s) (p.Ile398Thr) have been determined to be pathogenic (PMID: 10484808, 30545931). This suggests that this is a clinically significant region of the protein, and that variants that disrupt it are likely to be disease-causing. For these reasons, this variant has been classified as Pathogenic.

Literature cited by the submitters: PubMed 10484808; PubMed 30545931.

NM_002435.3(MPI):c.1006_1007del (p.Ser336fs)

Gene: MPI (mannose phosphate isomerase; plus strand). Cytogenetic location: 15q24.1.
Variant type: Microsatellite.
Coding change: c.1006_1007del on transcript NM_002435.3 (MANE Select); coding-DNA positions 1006 to 1007, 2 bases deleted (TC; older notation c.1006_1007delTC).
Protein change: p.Ser336fs; shifts the reading frame from serine 336.
Molecular consequence: frameshift variant. On other transcripts: intron variant (1).
Genome position (GRCh38, 1-based): chr15:74,897,172-74,897,173, TC deleted; deleting any 2 consecutive bases within chr15:74,897,169-74,897,173 gives the same sequence; the c. name uses the placement nearest the transcript's 3' end. VCF-style (leftmost placement, unchanged base first): chr15-74897168-CCT-C. GRCh37 (hg19) VCF-style: chr15-75189509-CCT-C.
Other names: c.856_857del, p.Ser286fs (NM_001289156.2); c.823_824del, p.Ser275fs (NM_001289157.2); c.946_947del, p.Ser316fs (NM_001330372.2); c.845-340_845-339del (NM_001289155.2); short protein forms S316fs, S275fs, S336fs, S286fs.
Identifiers: ClinVar variation 2015644 (VCV002015644.4), dbSNP rs2505829426, ClinGen allele CA2575791732.